The following is an entry in ClinVar:

NM_006343.3(MERTK):c.1285G>A (p.Ala429Thr)

Gene: MERTK (MER proto-oncogene, tyrosine kinase; plus strand). Cytogenetic location: 2q13.
Variant type: single nucleotide variant.
Coding change: c.1285G>A on transcript NM_006343.3 (MANE Select); coding-DNA position 1285, G replaced by A.
Protein change: p.Ala429Thr; replaces alanine 429 with threonine.
Molecular consequence: missense variant.
Genome position (GRCh38, 1-based): chr2:111,982,982, G>A. VCF-style: chr2-111982982-G-A. GRCh37 (hg19) VCF-style: chr2-112740559-G-A.
Other names: short protein forms A429T.
Identifiers: ClinVar variation 1914378 (VCV001914378.5), dbSNP rs1353406119, ClinGen allele CA348235899.

ClinVar aggregate classification (germline): Uncertain significance (1 of 4 stars; one submission).

Allele frequency attached by ClinVar (database versions not stated): gnomAD exomes below 0.00001; TOPMed below 0.00001.
gnomAD v4.1: 4 of 1,613,896 alleles (0.00025%); highest among the groups gnomAD compares: Non-Finnish European, 0.00017%; no homozygotes.

Submission:

Labcorp Genetics (formerly Invitae), Labcorp
Classification: Uncertain significance. Last evaluated: 2022-07-27. Review status: criteria provided, single submitter. Criteria: Invitae Variant Classification Sherloc (09022015). Collection method: clinical testing. Allele origin: germline.
Comment: In summary, the available evidence is currently insufficient to determine the role of this variant in disease. Therefore, it has been classified as a Variant of Uncertain Significance. Algorithms developed to predict the effect of missense changes on protein structure and function output the following: SIFT: "Tolerated"; PolyPhen-2: "Benign"; Align-GVGD: "Class C0". The threonine amino acid residue is found in multiple mammalian species, which suggests that this missense change does not adversely affect protein function. This variant has not been reported in the literature in individuals affected with MERTK-related conditions. This variant is not present in population databases (gnomAD no frequency). This sequence change replaces alanine, which is neutral and non-polar, with threonine, which is neutral and polar, at codon 429 of the MERTK protein (p.Ala429Thr).